The following is an entry in ClinVar:

NM_001130965.3(SUN1):c.615C>T (p.Pro205=)

Gene: SUN1 (Sad1 and UNC84 domain containing 1; plus strand). Cytogenetic location: 7p22.3.
Variant type: single nucleotide variant.
Coding change: c.615C>T on transcript NM_001130965.3 (MANE Select); coding-DNA position 615, C replaced by T.
Protein change: p.Pro205=; no amino-acid change (proline 205 retained).
Molecular consequence: synonymous variant. On other transcripts: missense variant (1), 5 prime UTR variant (1), non-coding transcript variant (3), intron variant (1).
Genome position (GRCh38, 1-based): chr7:843,477, C>T. VCF-style: chr7-843477-C-T. GRCh37 (hg19) VCF-style: chr7-883114-C-T.
Other names: c.615C>T, p.Pro205= (NM_001171946.2, NM_001367633.1, NM_001367634.1 and 32 more transcripts); c.158C>T, p.Pro53Leu (NM_001367635.1); c.465C>T, p.Pro155= (NM_001367636.1, NM_001367644.1, NM_001367645.1 and 24 more transcripts); c.48C>T, p.Pro16= (NM_001367639.1, NM_001367708.1); c.834C>T, p.Pro278= (NM_001367651.1); c.-147C>T (NM_001367658.1); c.642C>T, p.Pro214= (NM_001367669.1); c.426C>T, p.Pro142= (NM_001367695.1); and 3 more; short protein forms P53L.
Identifiers: ClinVar variation 2066963 (VCV002066963.6), dbSNP rs376538370, ClinGen allele CA4111617.

ClinVar aggregate classification (germline): Likely benign. Review status: criteria provided, single submitter (1 of 4 stars). 2 submissions from 2 submitters: Likely benign (1). 1 of the submissions does not count toward it. Last evaluated 2025-02-27.

Conditions:
Emery-Dreifuss muscular dystrophy (EDMD). Also called: Scapuloperoneal syndrome, X-linked (formerly); Humeroperoneal neuromuscular disease, (formerly). Identifiers: Orphanet 261, MedGen C0410189, MONDO:0016830.
SUN1-related disorder. Also called: SUN1-related condition.

Allele frequency attached by ClinVar (database versions not stated): ESP Exome Variant Server 0.00008; 1000 Genomes Project 30x 0.00016; 1000 Genomes Project 0.00020.
gnomAD v4.1: 28 of 1,614,048 alleles (0.0017%); highest among the groups gnomAD compares: East Asian, 0.016%; no homozygotes.

Submissions (2):

Labcorp Genetics (formerly Invitae), Labcorp
Classification: Likely benign for Emery-Dreifuss muscular dystrophy. Last evaluated: 2025-02-27. Review status: criteria provided, single submitter. Criteria: Invitae Variant Classification Sherloc (09022015). Collection method: clinical testing. Allele origin: germline.

PreventionGenetics, part of Exact Sciences
Classification: Likely benign for SUN1-related condition. Last evaluated: 2019-07-29. Review status: no assertion criteria provided. Collection method: clinical testing. Allele origin: germline. Not counted in ClinVar's aggregate classification.
Comment: This variant is classified as likely benign based on ACMG/AMP sequence variant interpretation guidelines (Richards et al. 2015 PMID: 25741868, with internal and published modifications).